The following is an entry in ClinVar:

NM_001243246.2(P3H1):c.2068_2086dup (p.Trp696delinsSerSerGlyTer)

Gene: P3H1 (prolyl 3-hydroxylase 1; minus strand). Cytogenetic location: 1p34.2.
Variant type: Microsatellite.
Coding change: c.2068_2086dup on transcript NM_001243246.2; coding-DNA positions 2068 to 2086, 19 bases duplicated (CGAGCGGGTGAGAGCAGCT).
Protein change: p.Trp696delinsSerSerGlyTer.
Molecular consequence: nonsense.
Genome position (GRCh38, 1-based): chr1:42,747,241-42,747,259, AGCTGCTCTCACCCGCTCG duplicated on the plus strand (CGAGCGGGTGAGAGCAGCT on the coding strand, the reverse complement: P3H1 is on the minus strand); duplicating any 19 consecutive bases within chr1:42,747,241-42,747,278 gives the same sequence; the c. name uses the placement nearest the transcript's 3' end. VCF-style (leftmost placement, unchanged base first): chr1-42747240-C-CAGCTGCTCTCACCCGCTCG. GRCh37 (hg19) VCF-style: chr1-43212911-C-CAGCTGCTCTCACCCGCTCG.
Identifiers: ClinVar variation 504079 (VCV000504079.3), ClinGen allele CA801597.

ClinVar aggregate classification (germline): Uncertain significance (1 of 4 stars; one submission).

Submission:

GeneDx
Classification: Uncertain significance. Last evaluated: 2018-01-05. Review status: criteria provided, single submitter. Criteria: GeneDx Variant Classification (06012015). Collection method: clinical testing. Allele origin: germline. Affected: yes.
Comment: The c.2055+13_2055+31dup19 variant in the P3H1 gene has not been reported previously as a pathogenic variant nor as a benign variant, to our knowledge. This variant is predicted to create a new splice donor site in intron 14, and is expected to cause abnormal gene splicing. However, in the absence of RNA/functional studies, the actual effect of c.2055+13_2055+31dup19 in this individual is unknown. The c.2055+13_2055+31dup19 variant is not observed in large population cohorts (Lek et al., 2016). We interpret c.2055+13_2055+31dup19 as a variant of uncertain significance.